The following is an entry in ClinVar:

NM_014908.4(DOLK):c.709A>G (p.Met237Val)

Gene: DOLK (dolichol kinase; minus strand). Cytogenetic location: 9q34.11.
Variant type: single nucleotide variant.
Coding change: c.709A>G on transcript NM_014908.4 (MANE Select); coding-DNA position 709, A replaced by G.
Protein change: p.Met237Val; replaces methionine 237 with valine.
Molecular consequence: missense variant.
Genome position (GRCh38, 1-based): chr9:128,946,595, T>C on the plus strand (A>G on the coding strand, the complement: DOLK is on the minus strand). VCF-style: chr9-128946595-T-C. GRCh37 (hg19) VCF-style: chr9-131708874-T-C.
Other names: short protein forms M237V.
Identifiers: ClinVar variation 1757128 (VCV001757128.3), dbSNP rs2492004409, ClinGen allele CA375123454.

ClinVar aggregate classification (germline): Uncertain significance (1 of 4 stars; one submission).

Conditions:
Cardiovascular phenotype. Identifiers: MedGen CN230736.

Submission:

Ambry Genetics
Classification: Uncertain significance for Cardiovascular phenotype. Last evaluated: 2024-10-28. Review status: criteria provided, single submitter. Criteria: Ambry Variant Classification Scheme 2023. Collection method: clinical testing. Allele origin: germline.
Comment: The p.M237V variant (also known as c.709A>G), located in coding exon 1 of the DOLK gene, results from an A to G substitution at nucleotide position 709. The methionine at codon 237 is replaced by valine, an amino acid with highly similar properties. This amino acid position is conserved. In addition, this alteration is predicted to be tolerated by in silico analysis. Since supporting evidence is limited at this time, the clinical significance of this alteration remains unclear.